The following is an entry in ClinVar:

ClinVar aggregate classification (germline): Pathogenic/Likely pathogenic. Review status: criteria provided, multiple submitters, no conflicts (2 of 4 stars). 2 submissions from 2 submitters: Pathogenic (1); Likely pathogenic (1). Last evaluated 2026-03-25.

Conditions:
Congenital heart defects and ectodermal dysplasia (CHDED). Identifiers: MedGen C4479250, MONDO:0044303, OMIM 617364.

Submissions (2):

GeneDx
Classification: Pathogenic. Last evaluated: 2026-03-25. Review status: criteria provided, single submitter. Criteria: GeneDx Variant Classification Process June 2021. Collection method: clinical testing. Allele origin: germline.
Comment: Not observed at significant frequency in large population cohorts (gnomAD); In silico analysis supports that this missense variant has a deleterious effect on protein structure/function; Has not been previously published as pathogenic or benign to our knowledge

MVZ Medizinische Genetik Mainz
Classification: Likely pathogenic for Congenital heart defects and ectodermal dysplasia. Last evaluated: 2026-01-16. Review status: criteria provided, single submitter. Criteria: UK Practice Guidelines For Variant Classification V4 01 2020. Collection method: clinical testing. Allele origin: germline. Inheritance: Autosomal dominant inheritance. Affected: yes. Observed: 1 variant allele.
Comment: ACMG Criteria: PM5,PM1_SUP,PM2_SUP,PS2_MOD

NM_002742.3(PRKD1):c.1807C>T (p.Arg603Cys)

Gene: PRKD1 (protein kinase D1; minus strand). Cytogenetic location: 14q12.
Variant type: single nucleotide variant.
Coding change: c.1807C>T on transcript NM_002742.3 (MANE Select); coding-DNA position 1807, C replaced by T.
Protein change: p.Arg603Cys; replaces arginine 603 with cysteine.
Molecular consequence: missense variant.
Genome position (GRCh38, 1-based): chr14:29,624,250, G>A on the plus strand (C>T on the coding strand, the complement: PRKD1 is on the minus strand). VCF-style: chr14-29624250-G-A. GRCh37 (hg19) VCF-style: chr14-30093456-G-A.
Other names: c.1831C>T, p.Arg611Cys (NM_001330069.2); c.1543C>T, p.Arg515Cys (NM_001348390.1); c.1807C>T (NM_002742.2); short protein forms R515C, R603C, R611C.
Identifiers: ClinVar variation 4688159 (VCV004688159.2).